The following is an entry in ClinVar:

NM_001042492.3(NF1):c.3187T>C (p.Cys1063Arg)

Gene: NF1 (neurofibromin 1; plus strand). Cytogenetic location: 17q11.2.
Variant type: single nucleotide variant.
Coding change: c.3187T>C on transcript NM_001042492.3 (MANE Select); coding-DNA position 3187, T replaced by C.
Protein change: p.Cys1063Arg; replaces cysteine 1063 with arginine.
Molecular consequence: missense variant.
Genome position (GRCh38, 1-based): chr17:31,230,915, T>C. VCF-style: chr17-31230915-T-C. GRCh37 (hg19) VCF-style: chr17-29557933-T-C.
Other names: c.3187T>C, p.Cys1063Arg (NM_000267.4); short protein forms C1063R.
Identifiers: ClinVar variation 561736 (VCV000561736.11), dbSNP rs776079267, ClinGen allele CA8486104.

ClinVar aggregate classification (germline): Uncertain significance. Review status: criteria provided, multiple submitters, no conflicts (2 of 4 stars). 4 submissions from 4 submitters: Uncertain significance (4). Last evaluated 2025-12-12.

Conditions:
Hereditary cancer-predisposing syndrome. Also called: Neoplastic Syndromes, Hereditary; Tumor predisposition; Hereditary Cancer Syndrome; Hereditary neoplastic syndrome. Identifiers: Orphanet 140162, MedGen C0027672, MeSH D009386, MONDO:0015356.
Cardiovascular phenotype. Identifiers: MedGen CN230736.
Neurofibromatosis, type 1 (NF1). Also called: VON RECKLINGHAUSEN DISEASE; NEUROFIBROMATOSIS, TYPE I, SOMATIC; Peripheral type neurofibromatosis; Neurofibromatosis, type I. Identifiers: Orphanet 636, MedGen C0027831, MONDO:0018975, OMIM 162200. Disease mechanism: loss of function.

Allele frequency attached by ClinVar (database versions not stated): gnomAD exomes below 0.00001; ExAC 0.00001.
gnomAD v4.1: 2 of 1,609,916 alleles (0.00012%); highest among the groups gnomAD compares: East Asian, 0.0045%; no homozygotes.

Submissions (4):

Ambry Genetics
Classification: Uncertain significance for Cardiovascular phenotype; Hereditary cancer-predisposing syndrome. Last evaluated: 2025-12-12. Review status: criteria provided, single submitter. Criteria: Ambry Variant Classification Scheme 2023. Collection method: clinical testing. Allele origin: germline.
Comment: The p.C1063R variant (also known as c.3187T>C), located in coding exon 24 of the NF1 gene, results from a T to C substitution at nucleotide position 3187. The cysteine at codon 1063 is replaced by arginine, an amino acid with highly dissimilar properties. This amino acid position is conserved. In addition, the in silico prediction for this alteration is inconclusive. Based on the available evidence, the clinical significance of this variant remains unclear.

Labcorp Genetics (formerly Invitae), Labcorp
Classification: Uncertain significance for Neurofibromatosis, type 1. Last evaluated: 2023-06-29. Review status: criteria provided, single submitter. Criteria: Invitae Variant Classification Sherloc (09022015). Collection method: clinical testing. Allele origin: germline.
Comment: This sequence change replaces cysteine, which is neutral and slightly polar, with arginine, which is basic and polar, at codon 1063 of the NF1 protein (p.Cys1063Arg). In summary, the available evidence is currently insufficient to determine the role of this variant in disease. Therefore, it has been classified as a Variant of Uncertain Significance. Advanced modeling of protein sequence and biophysical properties (such as structural, functional, and spatial information, amino acid conservation, physicochemical variation, residue mobility, and thermodynamic stability) performed at Invitae indicates that this missense variant is not expected to disrupt NF1 protein function. ClinVar contains an entry for this variant (Variation ID: 561736). This variant has not been reported in the literature in individuals affected with NF1-related conditions. The frequency data for this variant in the population databases is considered unreliable, as metrics indicate poor data quality at this position in the gnomAD database.

Genome-Nilou Lab
Classification: Uncertain significance for Neurofibromatosis, type 1. Last evaluated: 2022-03-15. Review status: criteria provided, single submitter. Criteria: ACMG Guidelines, 2015. Collection method: clinical testing. Allele origin: germline. Affected: no.

GeneDx
Classification: Uncertain significance. Last evaluated: 2018-02-26. Review status: criteria provided, single submitter. Criteria: GeneDx Variant Classification (06012015). Collection method: clinical testing. Allele origin: germline. Affected: yes.
Comment: The C1063R variant in the NF1 gene has not been reported previously as a pathogenic variant, nor as a benign variant, to our knowledge. The C1063R variant is not observed in large population cohorts (Lek et al., 2016). The C1063R variant is a non-conservative amino acid substitution, which is likely to impact secondary protein structure as these residues differ in polarity, charge, size and/or other properties. This variant is located within the GTPase activating protein domain (Xu et al., 1990; Luo et al., 2014). In-silico analyses, including protein predictors and evolutionary conservation, support a deleterious effect. We interpret C1063R as a variant of uncertain significance.